The following is an entry in ClinVar:

ClinVar aggregate classification (germline): Benign/Likely benign. Review status: criteria provided, multiple submitters, no conflicts (2 of 4 stars). 4 submissions from 4 submitters: Benign (1); Likely benign (2). 1 of the submissions does not count toward it. Last evaluated 2026-05-01.

Conditions:
Epidermolysis bullosa dystrophica inversa, autosomal recessive. Identifiers: MedGen C2673612.

Allele frequency attached by ClinVar (database versions not stated): TOPMed 0.00340; gnomAD 0.00363 and 0.00337; ExAC 0.00084; 1000 Genomes Project 30x 0.00297; 1000 Genomes Project 0.00300; ESP Exome Variant Server 0.00308.
gnomAD v4.1: 944 of 1,613,540 alleles (0.059%); highest among the groups gnomAD compares: African/African-American, 1.2%; 5 homozygotes.

Submissions (4):

CeGaT Center for Human Genetics Tuebingen
Classification: Likely benign. Last evaluated: 2026-05-01. Review status: criteria provided, single submitter. Criteria: CeGaT Center For Human Genetics Tuebingen Variant Classification Criteria Version 2. Collection method: clinical testing. Allele origin: germline. Affected: yes. Observed: 1 variant allele.
Comment: COL7A1: BP4, BS1

Labcorp Genetics (formerly Invitae), Labcorp
Classification: Benign. Last evaluated: 2026-02-01. Review status: criteria provided, single submitter. Criteria: Invitae Variant Classification Sherloc (09022015). Collection method: clinical testing. Allele origin: germline.

Blueprint Genetics
Classification: Likely benign. Last evaluated: 2024-11-11. Review status: criteria provided, single submitter. Criteria: ACMG Guidelines, 2015. Collection method: clinical testing. Allele origin: germline.

Natera, Inc.
Classification: Benign for Autosomal recessive epidermolysis bullosa dystrophica inversa. Last evaluated: 2020-09-16. Review status: no assertion criteria provided. Collection method: clinical testing. Allele origin: germline. Not counted in ClinVar's aggregate classification.

NM_000094.4(COL7A1):c.683-8A>G

Gene: COL7A1 (collagen type VII alpha 1 chain; minus strand). Cytogenetic location: 3p21.31.
Variant type: single nucleotide variant.
Coding change: c.683-8A>G on transcript NM_000094.4 (MANE Select); 8 bases into the intron before coding-DNA position 683, A replaced by G.
Molecular consequence: intron variant.
Genome position (GRCh38, 1-based): chr3:48,592,946, T>C on the plus strand (A>G on the coding strand, the complement: COL7A1 is on the minus strand). VCF-style: chr3-48592946-T-C. GRCh37 (hg19) VCF-style: chr3-48630379-T-C.
Identifiers: ClinVar variation 787789 (VCV000787789.14), dbSNP rs113167762, ClinGen allele CA2381469.